The following is an entry in ClinVar:

NM_001005242.3(PKP2):c.235C>T (p.Arg79Ter)

Gene: PKP2 (plakophilin 2; minus strand). Cytogenetic location: 12p11.21.
Variant type: single nucleotide variant.
Coding change: c.235C>T on transcript NM_001005242.3 (MANE Select); coding-DNA position 235, C replaced by T.
Protein change: p.Arg79Ter; replaces arginine 79 with a stop codon.
Molecular consequence: nonsense.
Genome position (GRCh38, 1-based): chr12:32,879,021, G>A on the plus strand (C>T on the coding strand, the complement: PKP2 is on the minus strand). VCF-style: chr12-32879021-G-A. GRCh37 (hg19) VCF-style: chr12-33031955-G-A.
Other names: p.R79*:CGA>TGA; p.Arg79*; c.235C>T, p.Arg79Ter (NM_004572.4); short protein forms R79*.
Identifiers: ClinVar variation 6754 (VCV000006754.86), dbSNP rs121434420, ClinGen allele CA011947.

ClinVar aggregate classification (germline): Pathogenic. Review status: criteria provided, multiple submitters, no conflicts (2 of 4 stars). 27 submissions from 26 submitters: Pathogenic (22). 5 of the submissions do not count toward it. Last evaluated 2026-04-13.

Conditions:
PKP2-related disorder. Also called: PKP2-related condition.
Cardiac arrhythmia. Also called: Arrhythmia; Cardiac rhythm disease. Identifiers: MedGen C0003811, MONDO:0007263, HP:0011675.
Cardiovascular phenotype. Identifiers: MedGen CN230736.
Arrhythmogenic right ventricular cardiomyopathy (ARVD). Also called: Cardiomyopathy, ARVC; Arrhythmogenic right ventricular dysplasia; Arrhythmogenic Right Ventricular Cardiomyopathy (ARVC); Arrhythmogenic cardiomyopathy. Identifiers: Orphanet 247, MedGen C0349788, MeSH D019571, MONDO:0016587. Disease mechanism: loss of function. Inheritance: Various modes of inheritance.
Cardiomyopathy (CMYO). Also called: Cardiomyopathies. Identifiers: Orphanet 167848, MedGen C0878544, MONDO:0004994, HP:0001638. Inheritance: Various modes of inheritance.
Arrhythmogenic right ventricular dysplasia 9 (ARVD9). Also called: Arrhythmogenic Right Ventricular Dysplasia/Cardiomyopathy 9; ARRHYTHMOGENIC RIGHT VENTRICULAR DYSPLASIA, FAMILIAL, 9. Identifiers: MedGen C1836906, MONDO:0012180, OMIM 609040.

Allele frequency attached by ClinVar (database versions not stated): gnomAD exomes below 0.00001 and 0.00001; TOPMed 0.00002; gnomAD 0.00005.

Submissions 1 to 13 of 27:

PreventionGenetics, part of Exact Sciences
Classification: Pathogenic for PKP2-related condition. Last evaluated: 2026-04-13. Review status: criteria provided, single submitter. Criteria: ACMG Guidelines, 2015. Collection method: clinical testing. Allele origin: germline.
Comment: The PKP2 c.235C>T variant is predicted to result in premature protein termination (p.Arg79*). This variant has been reported to be causative for arrhythmogenic right ventricular dysplasia (see for example: Gerull et al. 2004. PubMed ID: 15489853; Table S1A, Walsh et al. 2017. PubMed ID: 27532257). This variant is reported in 0.00088% of alleles in individuals of European (Non-Finnish) descent in gnomAD and is interpreted as pathogenic in ClinVar (Variation ID: 6754). Nonsense variants in PKP2 are expected to be pathogenic. This variant is interpreted as pathogenic.

Institute of Immunology and Genetics Kaiserslautern
Classification: Pathogenic for Arrhythmogenic right ventricular dysplasia 9. Last evaluated: 2026-03-18. Review status: criteria provided, single submitter. Criteria: ACMG Guidelines, 2015. Collection method: clinical testing. Allele origin: germline.
Comment: ACMG Criteria: PVS1, PS3, PS4, PM2, PP1_M; Variant was found in heterozygous state.

Labcorp Genetics (formerly Invitae), Labcorp
Classification: Pathogenic for Arrhythmogenic right ventricular dysplasia 9. Last evaluated: 2026-02-01. Review status: criteria provided, single submitter. Criteria: Invitae Variant Classification Sherloc (09022015). Collection method: clinical testing. Allele origin: germline.
Comment: This sequence change creates a premature translational stop signal (p.Arg79*) in the PKP2 gene. It is expected to result in an absent or disrupted protein product. Loss-of-function variants in PKP2 are known to be pathogenic (PMID: 15489853, 17041889, 23911551). This variant is present in population databases (rs121434420, gnomAD 0.0009%). This premature translational stop signal has been observed in individual(s) with arrhythmogenic right ventricular cardiomyopathy (PMID: 15489853, 19955750, 21301620, 21606396). It has also been observed to segregate with disease in related individuals. ClinVar contains an entry for this variant (Variation ID: 6754). For these reasons, this variant has been classified as Pathogenic.

Ambry Genetics
Classification: Pathogenic for Cardiovascular phenotype. Last evaluated: 2025-09-04. Review status: criteria provided, single submitter. Criteria: Ambry Variant Classification Scheme 2023. Collection method: clinical testing. Allele origin: germline.
Comment: The c.235C>T (p.R79*) alteration, located in exon 2 (coding exon 2) of the PKP2 gene, consists of a C to T substitution at nucleotide position 235. This changes the amino acid from a arginine (R) to a stop codon at amino acid position 79. This alteration is expected to result in loss of function by premature protein truncation or nonsense-mediated mRNA decay. This allele was reported in one heterozygous individual in population-based cohorts in the Genome Aggregation Database (gnomAD). This alteration has been described in numerous individuals and families with arrhythmogenic right ventricular cardiomyopathy (ARVC) and was determined to be a Dutch founder mutation associated with reduced penetrance and variable expressivity (van der Zwaag, 2010). Functional in vitro analysis demonstrated poor localization to the cell membrane and altered desmosomal protein interactions with reduced expression (Joshi-Mukherjee, 2008). Based on the available evidence, this alteration is classified as pathogenic.

Institute of Human Genetics, University of Leipzig Medical Center
Classification: Pathogenic for Arrhythmogenic right ventricular dysplasia 9. Last evaluated: 2025-03-04. Review status: criteria provided, single submitter. Criteria: ACMG Guidelines, 2015. Collection method: clinical testing. Allele origin: unknown. Inheritance: Autosomal dominant inheritance. Affected: yes.
Comment: Criteria applied: PVS1,PS4,PS3_SUP

Department of Human Genetics, Hannover Medical School
Classification: Pathogenic for Arrhythmogenic right ventricular dysplasia 9. Last evaluated: 2025-02-07. Review status: criteria provided, single submitter. Criteria: ACMG Guidelines, 2015. Collection method: clinical testing. Allele origin: germline. Affected: yes.
Comment: ACMG: PVS1, PM2_Supporting, PP1_Strong, PP4

Mayo Clinic Laboratories, Mayo Clinic
Classification: Pathogenic. Last evaluated: 2024-05-08. Review status: criteria provided, single submitter. Criteria: ACMG Guidelines, 2015. Collection method: clinical testing. Allele origin: germline. Observed: 1 variant allele.
Comment: PP1_strong, PM2, PS3, PS4, PVS1

Fulgent Genetics
Classification: Pathogenic for Arrhythmogenic right ventricular dysplasia 9. Last evaluated: 2024-04-13. Review status: criteria provided, single submitter. Criteria: ACMG Guidelines, 2015. Collection method: clinical testing. Allele origin: germline.

Color Diagnostics, LLC DBA Color Health
Classification: Pathogenic for Cardiomyopathy. Last evaluated: 2023-11-29. Review status: criteria provided, single submitter. Criteria: ACMG Guidelines, 2015. Collection method: clinical testing. Allele origin: germline.
Comment: This variant changes 1 nucleotide in exon 2 of the PKP2 gene, creating a premature translation stop signal. This variant is expected to result in an absent or non-functional protein product. Experimental studies have shown that the PKP2 protein expression was decreased by 50% in cells from a heterozygous carrier compared with wild type (PMID: 24704780). It has been shown that the mutant protein does not localize to sites of cell-cell contact and shows reduced ability to interact with connexin 43 protein (PMID: 19084810). This variant has been reported in multiple individuals affected with arrhythmogenic right ventricular cardiomyopathy (PMID: 15489853, 19955750, 21301620, 21606396, 24704780, 25765472, 31386562), and is thought to be a founder mutation in the Dutch population (PMID: 21301620). This variant has been identified in 1/251328 chromosomes in the general population by the Genome Aggregation Database (gnomAD). Loss of PKP2 function is a known mechanism of disease. Based on available evidence, this variant is classified as Pathogenic.

Neuberg Centre For Genomic Medicine, NCGM
Classification: Pathogenic for Arrhythmogenic right ventricular dysplasia 9. Last evaluated: 2023-05-20. Review status: criteria provided, single submitter. Criteria: ACMG Guidelines, 2015. Collection method: clinical testing. Allele origin: germline. Inheritance: Autosomal dominant inheritance. Affected: yes.
Comment: The observed stop gained c.235C>T(p.Arg79Ter) variant in PKP2 gene has been reported previously in heterozygous state in individual(s) affected with (Cox et al., 2011). This variant is reported with the allele frequency of 0.0004% in the gnomAD Exomes. This variant has been reported to the ClinVar database as Pathogenic (multiple submitters). This variant is predicted to cause loss of normal protein function either through protein truncation or nonsense-mediated mRNA decay. It is expected to result in an absent or disrupted protein product. Loss-of-function variants in PKP2 are known to be pathogenic (Al-Jassar et al., 2013). Computational evidence (MutationTaster - Disease causing automatic) predicts damaging effect on protein structure and function for this variant. For these reasons, this variant has been classified as Pathogenic.

Blueprint Genetics
Classification: Pathogenic for PKP2-related disorders. Last evaluated: 2022-11-17. Review status: criteria provided, single submitter. Criteria: ACMG Guidelines, 2015. Collection method: clinical testing. Allele origin: germline. Affected: yes. Observed: 4 variant alleles.

CeGaT Center for Human Genetics Tuebingen
Classification: Pathogenic. Last evaluated: 2022-08-01. Review status: criteria provided, single submitter. Criteria: CeGaT Center For Human Genetics Tuebingen Variant Classification Criteria Version 2. Collection method: clinical testing. Allele origin: germline. Affected: yes. Observed: 3 variant alleles.
Comment: PKP2: PVS1, PM2, PS4:Supporting

GeneDx
Classification: Pathogenic. Last evaluated: 2022-02-17. Review status: criteria provided, single submitter. Criteria: GeneDx Variant Classification Process June 2021. Collection method: clinical testing. Allele origin: germline. Affected: yes.
Comment: Not observed at significant frequency in large population cohorts (gnomAD); Published functional studies demonstrate that this variant reduces the expression level of plakophilin and alters desmosomal protein-protein interactions (Joshi-Mukherjee et al., 2008; Rasmussen et al., 2014); Nonsense variant predicted to result in protein truncation or nonsense mediated decay in a gene for which loss-of-function is a known mechanism of disease; This variant is associated with the following publications: (PMID: 31386562, 23810883, 24704780, 15489853, 16549640, 16567567, 20031617, 19955750, 21301620, 20829228, 22177269, 24125834, 25765472, 26800703, 21606396, 27532257, 20857253, 28152038, 23889974, 23178689, 30847666, 31737537, 31447099, 31402444, 20031616, 19084810, 33662488, 33232181, 32372669, 32522011, 31729605, 33500567)